The following is an entry in ClinVar:

NM_005560.6(LAMA5):c.9390C>T (p.His3130=)

Gene: LAMA5 (laminin subunit alpha 5; minus strand). Cytogenetic location: 20q13.33.
Variant type: single nucleotide variant.
Coding change: c.9390C>T on transcript NM_005560.6 (MANE Select); coding-DNA position 9390, C replaced by T.
Protein change: p.His3130=; no amino-acid change (histidine 3130 retained).
Molecular consequence: synonymous variant.
Genome position (GRCh38, 1-based): chr20:62,312,287, G>A on the plus strand (C>T on the coding strand, the complement: LAMA5 is on the minus strand). VCF-style: chr20-62312287-G-A. GRCh37 (hg19) VCF-style: chr20-60887343-G-A.
Identifiers: ClinVar variation 715832 (VCV000715832.35), dbSNP rs138705828, ClinGen allele CA9940259.

ClinVar aggregate classification (germline): Benign/Likely benign. Review status: criteria provided, multiple submitters, no conflicts (2 of 4 stars). 5 submissions from 5 submitters: Benign (2); Likely benign (2). 1 of the submissions does not count toward it. Last evaluated 2025-12-01.

Conditions:
LAMA5-related disorder. Also called: LAMA5-Related Disorders; LAMA5-related condition.

Allele frequency attached by ClinVar (database versions not stated): TOPMed 0.00106; 1000 Genomes Project 30x 0.00109; gnomAD 0.00119 and 0.00123; 1000 Genomes Project 0.00120; gnomAD exomes 0.00159 and 0.00199; ESP Exome Variant Server 0.00170; ExAC 0.00210.

Submissions (5):

CeGaT Center for Human Genetics Tuebingen
Classification: Likely benign. Last evaluated: 2025-12-01. Review status: criteria provided, single submitter. Criteria: CeGaT Center For Human Genetics Tuebingen Variant Classification Criteria Version 2. Collection method: clinical testing. Allele origin: germline. Affected: yes. Observed: 2 variant alleles.
Comment: LAMA5: BP4, BP7

Labcorp Genetics (formerly Invitae), Labcorp
Classification: Benign. Last evaluated: 2025-08-18. Review status: criteria provided, single submitter. Criteria: Invitae Variant Classification Sherloc (09022015). Collection method: clinical testing. Allele origin: germline.

Blueprint Genetics
Classification: Likely benign. Last evaluated: 2024-10-31. Review status: criteria provided, single submitter. Criteria: ACMG Guidelines, 2015. Collection method: clinical testing. Allele origin: germline.

Breakthrough Genomics
Classification: Benign. Review status: criteria provided, single submitter. Criteria: ACMG Guidelines, 2015. Collection method: not provided. Allele origin: germline. Inheritance: Autosomal recessive inheritance. Affected: yes.

PreventionGenetics, part of Exact Sciences
Classification: Likely benign for LAMA5-related condition. Last evaluated: 2019-03-06. Review status: no assertion criteria provided. Collection method: clinical testing. Allele origin: germline. Not counted in ClinVar's aggregate classification.
Comment: This variant is classified as likely benign based on ACMG/AMP sequence variant interpretation guidelines (Richards et al. 2015 PMID: 25741868, with internal and published modifications).